The following is an entry in ClinVar:

ClinVar aggregate classification (germline): Uncertain significance (1 of 4 stars; one submission).

Conditions:
Cohen syndrome (COH1). Also called: PEPPER SYNDROME; Cutis verticis gyrata, retinitis pigmentosa, and sensorineural deafness. Identifiers: Orphanet 193, MedGen C0265223, MONDO:0008999, OMIM 216550.

Allele frequency attached by ClinVar (database versions not stated): gnomAD exomes below 0.00001; TOPMed below 0.00001.
gnomAD v4.1: 2 of 1,614,000 alleles (0.00012%); highest among the groups gnomAD compares: Non-Finnish European, 0.00017%; no homozygotes.

Submission:

Labcorp Genetics (formerly Invitae), Labcorp
Classification: Uncertain significance for Cohen syndrome. Last evaluated: 2023-10-09. Review status: criteria provided, single submitter. Criteria: Invitae Variant Classification Sherloc (09022015). Collection method: clinical testing. Allele origin: germline.
Comment: This sequence change replaces histidine, which is basic and polar, with glutamine, which is neutral and polar, at codon 2860 of the VPS13B protein (p.His2860Gln). This variant is not present in population databases (gnomAD no frequency). This variant has not been reported in the literature in individuals affected with VPS13B-related conditions. ClinVar contains an entry for this variant (Variation ID: 1039772). Advanced modeling of protein sequence and biophysical properties (such as structural, functional, and spatial information, amino acid conservation, physicochemical variation, residue mobility, and thermodynamic stability) performed at Invitae indicates that this missense variant is expected to disrupt VPS13B protein function. In summary, the available evidence is currently insufficient to determine the role of this variant in disease. Therefore, it has been classified as a Variant of Uncertain Significance.

NM_152564.5(VPS13B):c.8505T>G (p.His2835Gln)

Gene: VPS13B (vacuolar protein sorting 13 homolog B; plus strand). Cytogenetic location: 8q22.2.
Variant type: single nucleotide variant.
Coding change: c.8505T>G on transcript NM_152564.5 (MANE Select); coding-DNA position 8505, T replaced by G.
Protein change: p.His2835Gln; replaces histidine 2835 with glutamine.
Molecular consequence: missense variant.
Genome position (GRCh38, 1-based): chr8:99,818,772, T>G. VCF-style: chr8-99818772-T-G. GRCh37 (hg19) VCF-style: chr8-100831000-T-G.
Other names: c.8580T>G, p.His2860Gln (NM_017890.5); short protein forms H2860Q, H2835Q.
Identifiers: ClinVar variation 1039772 (VCV001039772.8), dbSNP rs1814195672, ClinGen allele CA371774467.